The following is an entry in ClinVar:

ClinVar aggregate classification (germline): Uncertain significance. Review status: criteria provided, multiple submitters, no conflicts (2 of 4 stars). 3 submissions from 3 submitters: Uncertain significance (3). Last evaluated 2025-09-07.

Conditions:
Normophosphatemic familial tumoral calcinosis. Also called: CALCINOSIS, TUMORAL, WITH NORMOPHOSPHATEMIA. Identifiers: Orphanet 306658, Orphanet 53715, MedGen C1864861, MONDO:0012502, OMIM 610455.

gnomAD v4.1: 4 of 1,613,886 alleles (0.00025%); highest among the groups gnomAD compares: Admixed American, 0.005%; no homozygotes.

Submissions (3):

Labcorp Genetics (formerly Invitae), Labcorp
Classification: Uncertain significance. Last evaluated: 2025-09-07. Review status: criteria provided, single submitter. Criteria: Invitae Variant Classification Sherloc (09022015). Collection method: clinical testing. Allele origin: germline.
Comment: This sequence change replaces glycine, which is neutral and non-polar, with aspartic acid, which is acidic and polar, at codon 496 of the SAMD9 protein (p.Gly496Asp). This variant is not present in population databases (gnomAD no frequency). This missense change has been observed in individual(s) with cytopenia (PMID: 37216690). ClinVar contains an entry for this variant (Variation ID: 3339379). Invitae Evidence Modeling of protein sequence and biophysical properties (such as structural, functional, and spatial information, amino acid conservation, physicochemical variation, residue mobility, and thermodynamic stability) has been performed for this missense variant. However, the output from this modeling did not meet the statistical confidence thresholds required to predict the impact of this variant on SAMD9 protein function. In summary, the available evidence is currently insufficient to determine the role of this variant in disease. Therefore, it has been classified as a Variant of Uncertain Significance.

Myriad Genetics, Inc.
Classification: Uncertain significance for Normophosphatemic familial tumoral calcinosis. Last evaluated: 2025-08-08. Review status: criteria provided, single submitter. Criteria: Myriad Autosomal Dominant, Autosomal Recessive and X-Linked Classification Criteria (2023). Collection method: clinical testing. Allele origin: unknown.
Comment: NM_017654.3(SAMD9):c.1487G>A(G496D) is a missense variant classified as a variant of uncertain significance in the context of normophosphatemic familial tumoral calcinosis. G496D has not been observed in cases with relevant disease. Relevant functional assessments of this variant are not available in the literature. G496D has not been observed in referenced population frequency databases. In summary, there is insufficient evidence to classify NM_017654.3(SAMD9):c.1487G>A(G496D) as pathogenic or benign. Please note: this variant was assessed in the context of healthy population screening.

Women's Health and Genetics/Laboratory Corporation of America, LabCorp
Classification: Uncertain significance. Last evaluated: 2024-07-23. Review status: criteria provided, single submitter. Criteria: LabCorp Variant Classification Summary - May 2015. Collection method: clinical testing. Allele origin: germline.
Comment: Variant summary: SAMD9 c.1487G>A (p.Gly496Asp) results in a non-conservative amino acid change in the encoded protein sequence. Four of five in-silico tools predict a damaging effect of the variant on protein function. The variant was absent in 251314 control chromosomes (gnomAD). The available data on variant occurrences in the general population are insufficient to allow any conclusion about variant significance. c.1487G>A has been reported in the literature in an individual affected with Idiopathic cytopenia of undetermined significance (Molteni_2023). This report does not provide unequivocal conclusions about association of the variant with Monosomy 7 Myelodysplasia And Leukemia Syndrome 2. To our knowledge, no experimental evidence demonstrating an impact on protein function has been reported. The following publication has been ascertained in the context of this evaluation (PMID: 37216690). No submitters have cited clinical-significance assessments for this variant to ClinVar. Based on the evidence outlined above, the variant was classified as uncertain significance.

Literature cited by the submitters: PubMed 37216690 (cited by Labcorp Genetics (formerly Invitae), Labcorp and Women's Health and Genetics/Laboratory Corporation of America, LabCorp).

NM_017654.4(SAMD9):c.1487G>A (p.Gly496Asp)

Gene: SAMD9 (sterile alpha motif domain containing 9; minus strand). Cytogenetic location: 7q21.2.
Variant type: single nucleotide variant.
Coding change: c.1487G>A on transcript NM_017654.4 (MANE Select); coding-DNA position 1487, G replaced by A.
Protein change: p.Gly496Asp; replaces glycine 496 with aspartic acid.
Molecular consequence: missense variant.
Genome position (GRCh38, 1-based): chr7:93,104,611, C>T on the plus strand (G>A on the coding strand, the complement: SAMD9 is on the minus strand). VCF-style: chr7-93104611-C-T. GRCh37 (hg19) VCF-style: chr7-92733924-C-T.
Other names: c.1487G>A, p.Gly496Asp (NM_001193307.2); short protein forms G496D.
Identifiers: ClinVar variation 3339379 (VCV003339379.3).
Genomic context (GRCh38, chr7:93,104,611, plus strand): 5'-TCTCTTTGCCAGGAACTTGGATCAAAGGGTTTATATTTTTCACTGTCAAGGTCTAACCTG[C>T]CATTGCAGAAAATCCAGCTGGGTTGATGGTAAAGATTTAGAGTAGAAATCGTCTCATTTG-3'
Protein context (NP_060124.2, residues 486-506): YHQPSWIFCN[Gly496Asp]RLDLDSEKYK